The following is an entry in ClinVar:

ClinVar aggregate classification (germline): Uncertain significance (1 of 4 stars; one submission).

Allele frequency attached by ClinVar (database versions not stated): gnomAD exomes below 0.00001.

Submission:

Labcorp Genetics (formerly Invitae), Labcorp
Classification: Uncertain significance. Last evaluated: 2022-07-05. Review status: criteria provided, single submitter. Criteria: Invitae Variant Classification Sherloc (09022015). Collection method: clinical testing. Allele origin: germline.
Comment: This sequence change replaces histidine, which is basic and polar, with tyrosine, which is neutral and polar, at codon 87 of the MAPKAPK3 protein (p.His87Tyr). This variant is present in population databases (no rsID available, gnomAD 0.003%). This variant has not been reported in the literature in individuals affected with MAPKAPK3-related conditions. ClinVar contains an entry for this variant (Variation ID: 1449836). Algorithms developed to predict the effect of missense changes on protein structure and function (SIFT, PolyPhen-2, Align-GVGD) all suggest that this variant is likely to be tolerated. In summary, the available evidence is currently insufficient to determine the role of this variant in disease. Therefore, it has been classified as a Variant of Uncertain Significance.

NM_001243925.2(MAPKAPK3):c.259C>T (p.His87Tyr)

Gene: MAPKAPK3 (MAPK activated protein kinase 3; plus strand). Cytogenetic location: 3p21.2.
Variant type: single nucleotide variant.
Coding change: c.259C>T on transcript NM_001243925.2 (MANE Select); coding-DNA position 259, C replaced by T.
Protein change: p.His87Tyr; replaces histidine 87 with tyrosine.
Molecular consequence: missense variant.
Genome position (GRCh38, 1-based): chr3:50,640,405, C>T. VCF-style: chr3-50640405-C-T. GRCh37 (hg19) VCF-style: chr3-50677836-C-T.
Other names: c.259C>T, p.His87Tyr (NM_001243926.2, NM_004635.5); short protein forms H87Y.
Identifiers: ClinVar variation 1449836 (VCV001449836.6), dbSNP rs1387729630, ClinGen allele CA352925790.
Genomic context (GRCh38, chr3:50,640,405, plus strand): 5'-TCTATGTGCACCCACCTACAGCTCCTGTATGACAGCCCCAAGGCCCGGCAGGAGGTAGAC[C>T]ATCACTGGCAGGCTTCTGGCGGCCCCCATATTGTCTGCATCCTGGATGTGTATGAGAACA-3'
Protein context (NP_001230854.1, residues 77-97): DSPKARQEVD[His87Tyr]HWQASGGPHI